The following is an entry in ClinVar:

ClinVar aggregate classification (germline): Likely benign. Review status: criteria provided, single submitter (1 of 4 stars). 2 submissions from 2 submitters: Likely benign (1). 1 of the submissions does not count toward it. Last evaluated 2022-09-21.

Conditions:
RAD54L-related disorder. Also called: RAD54L-related condition.

Allele frequency attached by ClinVar (database versions not stated): TOPMed 0.00002; gnomAD 0.00007; gnomAD exomes 0.00021; ExAC 0.00049; 1000 Genomes Project 0.00080; 1000 Genomes Project 30x 0.00094.

Submissions (2):

Ambry Genetics
Classification: Likely benign. Last evaluated: 2022-09-21. Review status: criteria provided, single submitter. Criteria: Ambry Variant Classification Scheme 2023. Collection method: clinical testing. Allele origin: germline.

PreventionGenetics, part of Exact Sciences
Classification: Likely benign for RAD54L-related condition. Last evaluated: 2019-05-23. Review status: no assertion criteria provided. Collection method: clinical testing. Allele origin: germline. Not counted in ClinVar's aggregate classification.
Comment: This variant is classified as likely benign based on ACMG/AMP sequence variant interpretation guidelines (Richards et al. 2015 PMID: 25741868, with internal and published modifications).

NM_003579.4(RAD54L):c.1223T>C (p.Ile408Thr)

Gene: RAD54L (RAD54 like; plus strand). Cytogenetic location: 1p34.1.
Variant type: single nucleotide variant.
Coding change: c.1223T>C on transcript NM_003579.4 (MANE Select); coding-DNA position 1223, T replaced by C.
Protein change: p.Ile408Thr; replaces isoleucine 408 with threonine.
Molecular consequence: missense variant.
Genome position (GRCh38, 1-based): chr1:46,272,519, T>C. VCF-style: chr1-46272519-T-C. GRCh37 (hg19) VCF-style: chr1-46738191-T-C.
Other names: c.1223T>C, p.Ile408Thr (NM_001142548.2); c.683T>C, p.Ile228Thr (NM_001370766.1); short protein forms I228T, I408T.
Identifiers: ClinVar variation 1753697 (VCV001753697.4), dbSNP rs561568664, ClinGen allele CA834535.